The following is an entry in ClinVar:

NM_001330260.2(SCN8A):c.117G>C (p.Lys39Asn)

Genes: SCN8A (sodium voltage-gated channel alpha subunit 8; plus strand), LOC114803470 (SCN8A eExon liver enhancer; plus strand). Cytogenetic location: 12q13.13.
Variant type: single nucleotide variant.
Coding change: c.117G>C on transcript NM_001330260.2 (MANE Select); coding-DNA position 117, G replaced by C.
Protein change: p.Lys39Asn; replaces lysine 39 with asparagine.
Molecular consequence: missense variant.
Genome position (GRCh38, 1-based): chr12:51,662,934, G>C. VCF-style: chr12-51662934-G-C. GRCh37 (hg19) VCF-style: chr12-52056718-G-C.
Other names: c.117G>C, p.Lys39Asn (NM_001177984.3, NM_001369788.1, NM_014191.4); short protein forms K39N.
Identifiers: ClinVar variation 1025969 (VCV001025969.9), dbSNP rs1940953152, ClinGen allele CA385227798.

ClinVar aggregate classification (germline): Uncertain significance (1 of 4 stars; one submission).

Conditions:
Early-infantile DEE. Also called: Ohtahara syndrome; Early infantile epileptic encephalopathy; Early infantile epileptic encephalopathy with suppression bursts. Identifiers: Orphanet 1934, MedGen C0393706, MONDO:0800491.

Submission:

Labcorp Genetics (formerly Invitae), Labcorp
Classification: Uncertain significance for Early-infantile DEE. Last evaluated: 2022-03-03. Review status: criteria provided, single submitter. Criteria: Invitae Variant Classification Sherloc (09022015). Collection method: clinical testing. Allele origin: germline.
Comment: In summary, the available evidence is currently insufficient to determine the role of this variant in disease. Therefore, it has been classified as a Variant of Uncertain Significance. Algorithms developed to predict the effect of missense changes on protein structure and function are either unavailable or do not agree on the potential impact of this missense change (SIFT: "Deleterious"; PolyPhen-2: "Probably Damaging"; Align-GVGD: "Class C0"). ClinVar contains an entry for this variant (Variation ID: 1025969). This variant has not been reported in the literature in individuals affected with SCN8A-related conditions. This variant is not present in population databases (gnomAD no frequency). This sequence change replaces lysine, which is basic and polar, with asparagine, which is neutral and polar, at codon 39 of the SCN8A protein (p.Lys39Asn).